The following is an entry in ClinVar:

ClinVar aggregate classification (germline): Uncertain significance (1 of 4 stars; one submission).

Conditions:
Familial thoracic aortic aneurysm and aortic dissection (TAAD). Also called: Thoracic aortic aneurysms and dissections. Identifiers: Orphanet 91387, MedGen C4707243, MONDO:0019625.

Submission:

Ambry Genetics
Classification: Uncertain significance for Familial thoracic aortic aneurysm and aortic dissection. Last evaluated: 2021-01-20. Review status: criteria provided, single submitter. Criteria: Ambry Variant Classification Scheme 2023. Collection method: clinical testing. Allele origin: germline.
Comment: The p.M318T variant (also known as c.953T>C), located in coding exon 5 of the TGFBR1 gene, results from a T to C substitution at nucleotide position 953. The methionine at codon 318 is replaced by threonine, an amino acid with similar properties. Another alteration at the same codon, p.M318R (c.953T>G), has been described in an individual with Loeys-Dietz syndrome (Loeys BL et al. Nat Genet, 2005 Mar;37:275-81). This amino acid position is highly conserved in available vertebrate species. In addition, this alteration is predicted to be deleterious by in silico analysis. Since supporting evidence is limited at this time, the clinical significance of this alteration remains unclear.

NM_004612.4(TGFBR1):c.953T>C (p.Met318Thr)

Gene: TGFBR1 (transforming growth factor beta receptor 1; plus strand). Cytogenetic location: 9q22.33.
Variant type: single nucleotide variant.
Coding change: c.953T>C on transcript NM_004612.4 (MANE Select); coding-DNA position 953, T replaced by C.
Protein change: p.Met318Thr; replaces methionine 318 with threonine.
Molecular consequence: missense variant.
Genome position (GRCh38, 1-based): chr9:99,142,683, T>C. VCF-style: chr9-99142683-T-C. GRCh37 (hg19) VCF-style: chr9-101904965-T-C.
Other names: c.722T>C, p.Met241Thr (NM_001130916.3, NM_001407435.1); c.965T>C, p.Met322Thr (NM_001306210.2); c.758T>C, p.Met253Thr (NM_001407418.1, NM_001407419.1, NM_001407420.1 and 1 more transcripts); c.746T>C, p.Met249Thr (NM_001407423.1, NM_001407424.1, NM_001407425.1 and 8 more transcripts); c.707T>C, p.Met236Thr (NM_001407436.1); c.245T>C, p.Met82Thr (NM_001407437.1); c.476T>C, p.Met159Thr (NM_001407438.1); short protein forms M159T, M253T, M318T, M82T, M236T, M241T, M249T, M322T.
Identifiers: ClinVar variation 1767316 (VCV001767316.2), dbSNP rs121918710, ClinGen allele CA374230802.